The following is an entry in ClinVar:

NM_006063.3(KLHL41):c.1421A>G (p.Asp474Gly)

Gene: KLHL41 (kelch like family member 41; plus strand). Cytogenetic location: 2q31.1.
Variant type: single nucleotide variant.
Coding change: c.1421A>G on transcript NM_006063.3 (MANE Select); coding-DNA position 1421, A replaced by G.
Protein change: p.Asp474Gly; replaces aspartic acid 474 with glycine.
Molecular consequence: missense variant.
Genome position (GRCh38, 1-based): chr2:169,518,234, A>G. VCF-style: chr2-169518234-A-G. GRCh37 (hg19) VCF-style: chr2-170374744-A-G.
Other names: short protein forms D474G.
Identifiers: ClinVar variation 661557 (VCV000661557.9), dbSNP rs145810515, ClinGen allele CA1956683.

ClinVar aggregate classification (germline): Uncertain significance. Review status: criteria provided, multiple submitters, no conflicts (2 of 4 stars). 3 submissions from 3 submitters: Uncertain significance (3). Last evaluated 2024-11-28.

Conditions:
Nemaline myopathy 9 (NEM9). Identifiers: MedGen C3810384, MONDO:0014326, OMIM 615731.
Inborn genetic diseases. Identifiers: MedGen C0950123, MeSH D030342.

Allele frequency attached by ClinVar (database versions not stated): TOPMed 0.00005; ExAC 0.00002; gnomAD exomes 0.00014 and 0.00002; gnomAD 0.00005 and 0.00006; ESP Exome Variant Server 0.00008.
gnomAD v4.1: 212 of 1,613,804 alleles (0.013%); highest among the groups gnomAD compares: Non-Finnish European, 0.017%; no homozygotes.

Submissions (3):

Revvity Omics, Revvity
Classification: Uncertain significance for Nemaline myopathy 9. Last evaluated: 2024-11-28. Review status: criteria provided, single submitter. Criteria: ACMG Guidelines, 2015. Collection method: clinical testing. Allele origin: germline.

Labcorp Genetics (formerly Invitae), Labcorp
Classification: Uncertain significance for Nemaline myopathy 9. Last evaluated: 2022-07-19. Review status: criteria provided, single submitter. Criteria: Invitae Variant Classification Sherloc (09022015). Collection method: clinical testing. Allele origin: germline.
Comment: This sequence change replaces aspartic acid, which is acidic and polar, with glycine, which is neutral and non-polar, at codon 474 of the KLHL41 protein (p.Asp474Gly). This variant is present in population databases (rs145810515, gnomAD 0.005%). This variant has not been reported in the literature in individuals affected with KLHL41-related conditions. ClinVar contains an entry for this variant (Variation ID: 661557). Algorithms developed to predict the effect of missense changes on protein structure and function are either unavailable or do not agree on the potential impact of this missense change (SIFT: "Deleterious"; PolyPhen-2: "Benign"; Align-GVGD: "Class C15"). Algorithms developed to predict the effect of sequence changes on RNA splicing suggest that this variant may create or strengthen a splice site. In summary, the available evidence is currently insufficient to determine the role of this variant in disease. Therefore, it has been classified as a Variant of Uncertain Significance.

Ambry Genetics
Classification: Uncertain significance for Inborn genetic diseases. Last evaluated: 2021-08-16. Review status: criteria provided, single submitter. Criteria: Ambry Variant Classification Scheme 2023. Collection method: clinical testing. Allele origin: germline.